The following is an entry in ClinVar:

ClinVar aggregate classification (germline): Likely pathogenic (1 of 4 stars; one submission).

Conditions:
Intellectual developmental disorder, autosomal recessive 65. Also called: MENTAL RETARDATION, AUTOSOMAL RECESSIVE 65; Intellectual disability, autosomal recessive 65. Identifiers: MedGen C4748219, MONDO:0020850, OMIM 618109.

Submission:

Variantyx, Inc.
Classification: Likely pathogenic for Intellectual developmental disorder, autosomal recessive 65. Last evaluated: 2025-03-20. Review status: criteria provided, single submitter. Criteria: Variantyx Assertion Criteria 2022. Collection method: clinical testing. Allele origin: maternal.
Comment: This is a nonsense variant in the KDM5B gene (OMIM: 605393). Pathogenic variants in this gene have been associated with autosomal recessive intellectual developmental disorder 65. This variant introduces a premature termination codon in exon 11 out of 27. It is expected to result in loss of function, which is a known disease mechanism for KDM5B in this disorder (PMID: 29276005) (PVS1). This variant is absent from control populations (PM2_Supporting). This variant has not been reported in individuals with KDM5B-related disorders in the databases available for review. Based on the current evidence, this variant is classified as likely pathogenic for autosomal recessive intellectual developmental disorder 65.

NM_006618.5(KDM5B):c.1457G>A (p.Trp486Ter)

Gene: KDM5B (lysine demethylase 5B; minus strand). Cytogenetic location: 1q32.1.
Variant type: single nucleotide variant.
Coding change: c.1457G>A on transcript NM_006618.5 (MANE Select); coding-DNA position 1457, G replaced by A.
Protein change: p.Trp486Ter; replaces tryptophan 486 with a stop codon.
Molecular consequence: nonsense.
Genome position (GRCh38, 1-based): chr1:202,755,352, C>T on the plus strand (G>A on the coding strand, the complement: KDM5B is on the minus strand). VCF-style: chr1-202755352-C-T. GRCh37 (hg19) VCF-style: chr1-202724480-C-T.
Other names: c.1565G>A, p.Trp522Ter (NM_001314042.2); c.1322G>A, p.Trp441Ter (NM_001347591.2); c.1442G>A, p.Trp481Ter (NM_001399817.1); short protein forms W441*, W481*, W486*, W522*.
Identifiers: ClinVar variation 4759252 (VCV004759252.1).